The following is an entry in ClinVar:

ClinVar aggregate classification (germline): Uncertain significance (1 of 4 stars; one submission).

Conditions:
POLD1-related polyposis and colorectal cancer syndrome (CRCS10). Also called: Colorectal cancer 10; COLORECTAL CANCER, SUSCEPTIBILITY TO, ON CHROMOSOME 19q; Colorectal cancer, susceptibility to, 10. Identifiers: Orphanet 220460, MedGen C2675481, MONDO:0012953, OMIM 612591.

Allele frequency attached by ClinVar (database versions not stated): gnomAD below 0.00001 and 0.00001; gnomAD exomes below 0.00001.
gnomAD v4.1: 4 of 1,611,516 alleles (0.00025%); highest among the groups gnomAD compares: South Asian, 0.0044%; no homozygotes.

Submission:

Labcorp Genetics (formerly Invitae), Labcorp
Classification: Uncertain significance for POLD1-related polyposis and colorectal cancer syndrome. Last evaluated: 2025-07-08. Review status: criteria provided, single submitter. Criteria: Invitae Variant Classification Sherloc (09022015). Collection method: clinical testing. Allele origin: germline.
Comment: This sequence change replaces leucine, which is neutral and non-polar, with valine, which is neutral and non-polar, at codon 1089 of the POLD1 protein (p.Leu1089Val). This variant is not present in population databases (gnomAD no frequency). This variant has not been reported in the literature in individuals affected with POLD1-related conditions. ClinVar contains an entry for this variant (Variation ID: 537050). Invitae Evidence Modeling of protein sequence and biophysical properties (such as structural, functional, and spatial information, amino acid conservation, physicochemical variation, residue mobility, and thermodynamic stability) indicates that this missense variant is not expected to disrupt POLD1 protein function with a negative predictive value of 80%. In summary, the available evidence is currently insufficient to determine the role of this variant in disease. Therefore, it has been classified as a Variant of Uncertain Significance.

NM_002691.4(POLD1):c.3265C>G (p.Leu1089Val)

Gene: POLD1 (DNA polymerase delta 1, catalytic subunit; plus strand). Cytogenetic location: 19q13.33.
Variant type: single nucleotide variant.
Coding change: c.3265C>G on transcript NM_002691.4 (MANE Select); coding-DNA position 3265, C replaced by G.
Protein change: p.Leu1089Val; replaces leucine 1089 with valine.
Molecular consequence: missense variant. On other transcripts: non-coding transcript variant (1).
Genome position (GRCh38, 1-based): chr19:50,417,888, C>G. VCF-style: chr19-50417888-C-G. GRCh37 (hg19) VCF-style: chr19-50921145-C-G.
Other names: c.3265C>G, p.Leu1089Val (NM_001256849.1); c.3343C>G, p.Leu1115Val (NM_001308632.1); short protein forms L1089V, L1115V.
Identifiers: ClinVar variation 537050 (VCV000537050.10), dbSNP rs1555793883, ClinGen allele CA406987798.